The following is an entry in ClinVar:

NM_006080.3(SEMA3A):c.840G>A (p.Val280=)

Gene: SEMA3A (semaphorin 3A; minus strand). Cytogenetic location: 7q21.11.
Variant type: single nucleotide variant.
Coding change: c.840G>A on transcript NM_006080.3 (MANE Select); coding-DNA position 840, G replaced by A.
Protein change: p.Val280=; no amino-acid change (valine 280 retained).
Molecular consequence: synonymous variant.
Genome position (GRCh38, 1-based): chr7:84,011,268, C>T on the plus strand (G>A on the coding strand, the complement: SEMA3A is on the minus strand). VCF-style: chr7-84011268-C-T. GRCh37 (hg19) VCF-style: chr7-83640584-C-T.
Identifiers: ClinVar variation 4985180 (VCV004985180.1).
Genomic context (GRCh38, chr7:84,011,268, plus strand): 5'-GCCATTTGGACCTGGCACTGAGCAAATCAGACGAGCTTTGAGGAATGTTGTCCATTTATT[C>T]ACCAGACTTCTGTGCCCTCCAAAGTCATTCTGAAAGAAGGGAACACCAGTGTTAGGCACT-3'
Protein context (NP_006071.1, residues 270-290): KNDFGGHRSL[Val280=]NKWTTFLKAR

ClinVar aggregate classification (germline): Likely benign (1 of 4 stars; one submission).

Conditions:
SEMA3A-related disorder. Also called: SEMA3A-related condition.

gnomAD v4.1: 2 of 1,613,848 alleles (0.00012%); highest among the groups gnomAD compares: Non-Finnish European, 0.00017%; no homozygotes.

Submission:

PreventionGenetics, part of Exact Sciences
Classification: Likely benign for SEMA3A-related condition. Last evaluated: 2025-03-09. Review status: criteria provided, single submitter. Criteria: ACMG Guidelines, 2015. Collection method: clinical testing. Allele origin: germline.
Comment: This variant is classified as likely benign based on ACMG/AMP sequence variant interpretation guidelines (Richards et al. 2015 PMID: 25741868, with internal and published modifications).